The following is an entry in ClinVar:

ClinVar aggregate classification (germline): Pathogenic. Review status: reviewed by expert panel (3 of 4 stars). 2 submissions from 2 submitters: Pathogenic (1). 1 of the submissions does not count toward it. Last evaluated 2026-04-10.

Conditions:
Pulmonary hypertension, primary, 1 (PPH1). Also called: Pulmonary hypertension, familial primary, 1, with or without HHT. Identifiers: Orphanet 422, MedGen C4552070, MONDO:0024533, OMIM 178600.
Pulmonary arterial hypertension. Identifiers: Orphanet 182090, MedGen C2973725, MeSH D000081029, MONDO:0015924, HP:0002092.

Submissions (2):

Clingen Pulmonary Hypertension Variant Curation Expert Panel, ClinGen
Classification: Pathogenic for Pulmonary arterial hypertension. Last evaluated: 2026-04-10. Review status: reviewed by expert panel. Criteria: ClinGen PH ACMG Specifications BMPR2 V2.0.0. Collection method: curation. Allele origin: germline. Inheritance: Autosomal dominant inheritance.
Comment: The BMPR2 c.1277-8A>G is a non-canonical splice site (-8) variant located in intron 9. The variant is absent from gnomAD v.2.1.1 and v4.1.0 (PM2_supporting) and was reported in a single individual with PAH (PMID: 26387786); a single entry in ClinVar documents the same individual. In silico prediction indicated likely splice site acceptor gain (SpliceAI = 0.90, acceptor loss = 0.27) and cDNA analysis demonstrated an aberrant splice product leading to premature truncation (p.Gly426Valfs*424) with predicted nonsense mediated decay (PMID: 26387786) (PVS1(RNA)). The variant is located in the same splice region as a previously established pathogenic variant, NM_001204.7(BMPR2):c.1277-9A>G, classified by the PH VCEP (PS1). No familial segregation data were available. In summary, the variant meets the criteria to be classified as pathogenic for pulmonary arterial hypertension based on the ACMG/AMP criteria applied, as specified by the ClinGen Pulmonary Hypertension VCEP: PVS1(RNA), PS1, PM2_supporting (VCEP specification version 2.0, 1/30/2026).

Rare Disease Genomics Group, St George's University of London
Classification: Pathogenic for Primary pulmonary hypertension. Review status: no assertion criteria provided. Collection method: literature only. Allele origin: germline. Affected: yes. Not counted in ClinVar's aggregate classification.

Literature cited by the submitters: PubMed 26387786 (cited by Rare Disease Genomics Group, St George's University of London).

NM_001204.7(BMPR2):c.1277-8A>G

Gene: BMPR2 (bone morphogenetic protein receptor type 2; plus strand). Cytogenetic location: 2q33.2.
Variant type: single nucleotide variant.
Coding change: c.1277-8A>G on transcript NM_001204.7 (MANE Select); 8 bases into the intron before coding-DNA position 1277, A replaced by G.
Molecular consequence: intron variant.
Genome position (GRCh38, 1-based): chr2:202,542,303, A>G. VCF-style: chr2-202542303-A-G. GRCh37 (hg19) VCF-style: chr2-203407026-A-G.
Other names: c.1277-8A>G (LRG_712t1).
Identifiers: ClinVar variation 425918 (VCV000425918.2), dbSNP rs1085307332, ClinGen allele CA645293839.
Genomic context (GRCh38, chr2:202,542,303, plus strand): 5'-CCCCTGTTATTCTATCATTTATGATAGTTAGAAATTTTATTCTGTCATTCTTTTCTACAA[A>G]TCCACAGGGGAATCCGTACCAGAGTACCAGATGGCTTTTCAGACAGAGGTTGGAAACCAT-3'